The following is an entry in ClinVar:

ClinVar aggregate classification (germline): Pathogenic/Likely pathogenic. Review status: criteria provided, multiple submitters, no conflicts (2 of 4 stars). 4 submissions from 4 submitters: Pathogenic (3); Likely pathogenic (1). Last evaluated 2024-11-14.

Conditions:
Familial cancer of breast. Also called: Hereditary breast cancer; BREAST CANCER, FAMILIAL; hereditary breast carcinoma. Identifiers: Orphanet 227535, MedGen C0346153, MONDO:0016419, OMIM 114480. Disease mechanism: loss of function.
Ataxia-telangiectasia syndrome (AT). Also called: Ataxia telangiectasia (A-T); Ataxia-telangiectasia, complementation group D; Ataxia-telangiectasia, complementation group E; LOUIS-BAR SYNDROME; Cerebello-oculocutaneous telangiectasia; Immunodeficiency with ataxia telangiectasia. Identifiers: Orphanet 100, MedGen C0004135, MONDO:0008840, OMIM 208900.
Hereditary cancer-predisposing syndrome. Also called: Tumor predisposition; Hereditary Cancer Syndrome; Hereditary neoplastic syndrome; Neoplastic Syndromes, Hereditary. Identifiers: Orphanet 140162, MedGen C0027672, MeSH D009386, MONDO:0015356.

Submissions (4):

Ambry Genetics
Classification: Pathogenic for Hereditary cancer-predisposing syndrome. Last evaluated: 2024-11-14. Review status: criteria provided, single submitter. Criteria: Ambry Variant Classification Scheme 2023. Collection method: clinical testing. Allele origin: germline.
Comment: The c.4353dupA pathogenic mutation, located in coding exon 28 of the ATM gene, results from a duplication of A at nucleotide position 4353, causing a translational frameshift with a predicted alternate stop codon (p.D1452Rfs*39). This variant is considered to be rare based on population cohorts in the Genome Aggregation Database (gnomAD). This alteration is expected to result in loss of function by premature protein truncation or nonsense-mediated mRNA decay. As such, this alteration is interpreted as a disease-causing mutation.

Quest Diagnostics Nichols Institute San Juan Capistrano
Classification: Likely pathogenic. Last evaluated: 2024-09-17. Review status: criteria provided, single submitter. Criteria: Quest Diagnostics criteria. Collection method: clinical testing. Allele origin: unknown.
Comment: The ATM c.4353dup (p.Asp1452Argfs*39) variant alters the translational reading frame of the ATM mRNA and is predicted to cause the premature termination of ATM protein synthesis. This variant has not been reported in individuals with ATM-related conditions in the published literature. This variant has not been reported in large, multi-ethnic general populations (Genome Aggregation Database). Based on the available information, this variant is classified as likely pathogenic.

Labcorp Genetics (formerly Invitae), Labcorp
Classification: Pathogenic for Ataxia-telangiectasia syndrome. Last evaluated: 2024-04-15. Review status: criteria provided, single submitter. Criteria: Invitae Variant Classification Sherloc (09022015). Collection method: clinical testing. Allele origin: germline.
Comment: This sequence change creates a premature translational stop signal (p.Asp1452Argfs*39) in the ATM gene. It is expected to result in an absent or disrupted protein product. Loss-of-function variants in ATM are known to be pathogenic (PMID: 23807571, 25614872). This variant is not present in population databases (gnomAD no frequency). This variant has not been reported in the literature in individuals affected with ATM-related conditions. For these reasons, this variant has been classified as Pathogenic.

Myriad Genetics, Inc.
Classification: Pathogenic for Familial cancer of breast. Last evaluated: 2024-01-24. Review status: criteria provided, single submitter. Criteria: Myriad Autosomal Dominant, Autosomal Recessive and X-Linked Classification Criteria (2023). Collection method: clinical testing. Allele origin: unknown.
Comment: This variant is considered pathogenic. This variant creates a frameshift predicted to result in premature protein truncation.

Literature cited by the submitters: PubMed 23807571 (cited by Labcorp Genetics (formerly Invitae), Labcorp); PubMed 25614872 (cited by Labcorp Genetics (formerly Invitae), Labcorp).

NM_000051.4(ATM):c.4353dup (p.Asp1452fs)

Gene: ATM (ATM serine/threonine kinase; plus strand). Cytogenetic location: 11q22.3.
Variant type: Duplication.
Coding change: c.4353dup on transcript NM_000051.4 (MANE Select); coding-DNA position 4353, one base duplicated (A; older notation c.4353dupA).
Protein change: p.Asp1452fs; shifts the reading frame from aspartic acid 1452.
Molecular consequence: frameshift variant.
Genome position (GRCh38, 1-based): chr11:108,289,718, A duplicated; the last of 3 consecutive A bases (chr11:108,289,716-108,289,718); duplicating any one gives the same sequence. VCF-style (leftmost placement, unchanged base first): chr11-108289715-G-GA. GRCh37 (hg19) VCF-style: chr11-108160442-G-GA.
Other names: c.4353dupA (NM_000051.3); c.4353dup, p.Asp1452fs (NM_001351834.2); short protein forms D1452fs.
Identifiers: ClinVar variation 3148377 (VCV003148377.5), dbSNP rs2546909885, ClinGen allele CA2825001846.